The following is an entry in ClinVar:

NM_000094.4(COL7A1):c.3759+3_3759+8del

Gene: COL7A1 (collagen type VII alpha 1 chain; minus strand). Cytogenetic location: 3p21.31.
Variant type: Deletion.
Coding change: c.3759+3_3759+8del on transcript NM_000094.4 (MANE Select); bases 3 to 8 of the intron after coding-DNA position 3759, 6 bases deleted (AAGAGT; older notation c.3759+3_3759+8delAAGAGT).
Molecular consequence: splice donor variant.
Genome position (GRCh38, 1-based): chr3:48,585,932-48,585,937, ACTCTT deleted on the plus strand (AAGAGT on the coding strand, the reverse complement: COL7A1 is on the minus strand); deleting any 6 consecutive bases within chr3:48,585,932-48,585,939 gives the same sequence; the c. name uses the placement nearest the transcript's 3' end. VCF-style (leftmost placement, unchanged base first): chr3-48585931-GACTCTT-G. GRCh37 (hg19) VCF-style: chr3-48623364-GACTCTT-G.
Identifiers: ClinVar variation 4795250 (VCV004795250.1).

ClinVar aggregate classification (germline): Uncertain significance (1 of 4 stars; one submission).

Conditions:
Epidermolysis bullosa pruriginosa. Also called: DEB, PRURIGINOSA; DYSTROPHIC EPIDERMOLYSIS BULLOSA PRURIGINOSA. Identifiers: Orphanet 89843, MedGen C1275114, MONDO:0011398, OMIM 604129.

Submission:

Kasturba Medical College, Manipal, Kasturba Medical College, Manipal, Manipal Academy of Higher Education, Manipal, India
Classification: Uncertain significance for Epidermolysis bullosa pruriginosa. Last evaluated: 2026-02-12. Review status: criteria provided, single submitter. Criteria: ACMG Guidelines, 2015. Collection method: research. Allele origin: biparental. Inheritance: Autosomal recessive inheritance. Affected: yes.
Comment: This variant has been observed in heterozygous state in eight individuals in the gnomAD (v4.1.0) population database, and absent in our in-house database of 3971 exomes. This variant is absent in homozygous state in gnomAD (v4.1.0) and our in-house database of 3971 exomes. In-silico tool such as SpliceAI has predicted this intronic deletion to cause aberrant splicing (Delta score: 0.58). The clinical features observed in the proband are in concordance with epidermolysis bullosa pruriginosa. Thus, the above-mentioned variant in homozygous state is interpreted to be the probable cause for the condition observed in the proband.